The following is an entry in ClinVar:

NM_025137.4(SPG11):c.6502A>G (p.Arg2168Gly)

Gene: SPG11 (SPG11 vesicle trafficking associated, spatacsin; minus strand). Cytogenetic location: 15q21.1.
Variant type: single nucleotide variant.
Coding change: c.6502A>G on transcript NM_025137.4 (MANE Select); coding-DNA position 6502, A replaced by G.
Protein change: p.Arg2168Gly; replaces arginine 2168 with glycine.
Molecular consequence: missense variant.
Genome position (GRCh38, 1-based): chr15:44,569,481, T>C on the plus strand (A>G on the coding strand, the complement: SPG11 is on the minus strand). VCF-style: chr15-44569481-T-C. GRCh37 (hg19) VCF-style: chr15-44861679-T-C.
Other names: p.Arg2168Gly; c.6163A>G, p.Arg2055Gly (NM_001160227.2); short protein forms R2168G, R2055G.
Identifiers: ClinVar variation 646676 (VCV000646676.8), dbSNP rs371301157, ClinGen allele CA7534093.

ClinVar aggregate classification (germline): Uncertain significance. Review status: criteria provided, multiple submitters, no conflicts (2 of 4 stars). 3 submissions from 3 submitters: Uncertain significance (3). Last evaluated 2025-02-18.

Conditions:
Hereditary spastic paraplegia 11. Also called: Spastic Paraplegia 11; SPASTIC PARAPLEGIA, AUTOSOMAL RECESSIVE, COMPLICATED, WITH THIN CORPUS CALLOSUM; SPASTIC PARAPLEGIA, AUTOSOMAL RECESSIVE, WITH MENTAL IMPAIRMENT AND THIN CORPUS CALLOSUM; Spastic paraplegia, mental retardation and thin corpus callosum; Nakamura Osame syndrome; Autosomal recessive hereditary spastic paraplegia, mental impairment, and thin corpus callosum. Identifiers: Orphanet 2822, MedGen C1858479, MONDO:0011445, OMIM 604360.

Allele frequency attached by ClinVar (database versions not stated): gnomAD exomes 0.00001 and 0.00003; gnomAD 0.00002; TOPMed 0.00002; ExAC 0.00007; ESP Exome Variant Server 0.00008.
gnomAD v4.1: 43 of 1,598,272 alleles (0.0027%); highest among the groups gnomAD compares: Non-Finnish European, 0.0034%; no homozygotes.

Submissions (3):

GeneDx
Classification: Uncertain significance. Last evaluated: 2025-02-18. Review status: criteria provided, single submitter. Criteria: GeneDx Variant Classification Process June 2021. Collection method: clinical testing. Allele origin: germline. Affected: yes.
Comment: Not observed at significant frequency in large population cohorts (gnomAD); In silico analysis supports that this missense variant has a deleterious effect on protein structure/function; Has not been previously published as pathogenic or benign to our knowledge

Mayo Clinic Laboratories, Mayo Clinic
Classification: Uncertain significance. Last evaluated: 2024-12-21. Review status: criteria provided, single submitter. Criteria: ACMG Guidelines, 2015. Collection method: clinical testing. Allele origin: germline. Observed: 1 variant allele.

Labcorp Genetics (formerly Invitae), Labcorp
Classification: Uncertain significance for Hereditary spastic paraplegia 11. Last evaluated: 2022-07-26. Review status: criteria provided, single submitter. Criteria: Invitae Variant Classification Sherloc (09022015). Collection method: clinical testing. Allele origin: germline.
Comment: This sequence change replaces arginine, which is basic and polar, with glycine, which is neutral and non-polar, at codon 2168 of the SPG11 protein (p.Arg2168Gly). This variant is present in population databases (rs371301157, gnomAD 0.003%). This variant has not been reported in the literature in individuals affected with SPG11-related conditions. ClinVar contains an entry for this variant (Variation ID: 646676). Algorithms developed to predict the effect of missense changes on protein structure and function (SIFT, PolyPhen-2, Align-GVGD) all suggest that this variant is likely to be disruptive. In summary, the available evidence is currently insufficient to determine the role of this variant in disease. Therefore, it has been classified as a Variant of Uncertain Significance.